The following is an entry in ClinVar:

ClinVar aggregate classification (germline): Pathogenic/Likely pathogenic. Review status: criteria provided, multiple submitters, no conflicts (2 of 4 stars). 2 submissions from 2 submitters: Pathogenic (1); Likely pathogenic (1). Last evaluated 2026-10-22.

Conditions:
NPTN-related neurodevelopmental disorder.

Submissions (2):

GeneDx
Classification: Likely pathogenic. Last evaluated: 2026-10-22. Review status: criteria provided, single submitter. Criteria: GeneDx Variant Classification Process June 2021. Collection method: clinical testing. Allele origin: germline.
Comment: Not observed at significant frequency in large population cohorts (gnomAD); Nonsense variant predicted to result in protein truncation or nonsense mediated decay in a gene or region of a gene for which loss of function is not a well-established mechanism of disease; This variant is associated with the following publications: (PMID: 42387534)

Institute of Human Genetics, University of Leipzig Medical Center
Classification: Pathogenic for NPTN-related neurodevelopmental disorder. Last evaluated: 2025-04-09. Review status: criteria provided, single submitter. Criteria: ACMG Guidelines, 2015. Collection method: research. Allele origin: de novo. Inheritance: Autosomal dominant inheritance. Affected: yes.
Comment: Criteria applied: PVS1, PS2_MOD, PM2_SUP

NM_012428.4(NPTN):c.342C>G (p.Tyr114Ter)

Gene: NPTN (neuroplastin; minus strand). Cytogenetic location: 15q24.1.
Variant type: single nucleotide variant.
Coding change: c.342C>G on transcript NM_012428.4 (MANE Select); coding-DNA position 342, C replaced by G.
Protein change: p.Tyr114Ter; replaces tyrosine 114 with a stop codon.
Molecular consequence: nonsense. On other transcripts: intron variant (2).
Genome position (GRCh38, 1-based): chr15:73,597,119, G>C on the plus strand (C>G on the coding strand, the complement: NPTN is on the minus strand). VCF-style: chr15-73597119-G-C. GRCh37 (hg19) VCF-style: chr15-73889460-G-C.
Other names: c.342C>G (NM_012428.3); c.342C>G, p.Tyr114Ter (NM_001161363.2); c.92-4982C>G (NM_001161364.2, NM_017455.4); short protein forms Y114*.
Identifiers: ClinVar variation 3778809 (VCV003778809.3).